The following is an entry in ClinVar:

NM_032043.3(BRIP1):c.1868T>G (p.Phe623Cys)

Gene: BRIP1 (BRCA1 interacting DNA helicase 1; minus strand). Cytogenetic location: 17q23.2.
Variant type: single nucleotide variant.
Coding change: c.1868T>G on transcript NM_032043.3 (MANE Select); coding-DNA position 1868, T replaced by G.
Protein change: p.Phe623Cys; replaces phenylalanine 623 with cysteine.
Molecular consequence: missense variant.
Genome position (GRCh38, 1-based): chr17:61,780,328, A>C on the plus strand (T>G on the coding strand, the complement: BRIP1 is on the minus strand). VCF-style: chr17-61780328-A-C. GRCh37 (hg19) VCF-style: chr17-59857689-A-C.
Other names: short protein forms F623C.
Identifiers: ClinVar variation 1524631 (VCV001524631.9), dbSNP rs2145077916, ClinGen allele CA400480078.

ClinVar aggregate classification (germline): Uncertain significance (1 of 4 stars; one submission).

Conditions:
Fanconi anemia complementation group J. Also called: BRIP1-Related Fanconi Anemia. Identifiers: Orphanet 84, MedGen C1836860, MONDO:0012187, OMIM 609054.
Familial cancer of breast. Also called: Hereditary breast cancer; BREAST CANCER, FAMILIAL; hereditary breast carcinoma. Identifiers: Orphanet 227535, MedGen C0346153, MONDO:0016419, OMIM 114480. Disease mechanism: loss of function.

Submission:

Labcorp Genetics (formerly Invitae), Labcorp
Classification: Uncertain significance for Familial cancer of breast; Fanconi anemia complementation group J. Last evaluated: 2022-02-19. Review status: criteria provided, single submitter. Criteria: Invitae Variant Classification Sherloc (09022015). Collection method: clinical testing. Allele origin: germline.
Comment: In summary, the available evidence is currently insufficient to determine the role of this variant in disease. Therefore, it has been classified as a Variant of Uncertain Significance. Algorithms developed to predict the effect of missense changes on protein structure and function (SIFT, PolyPhen-2, Align-GVGD) all suggest that this variant is likely to be disruptive. This variant has not been reported in the literature in individuals affected with BRIP1-related conditions. This variant is not present in population databases (gnomAD no frequency). This sequence change replaces phenylalanine, which is neutral and non-polar, with cysteine, which is neutral and slightly polar, at codon 623 of the BRIP1 protein (p.Phe623Cys).